The following is an entry in ClinVar:

NM_001080453.3(INTS1):c.5655G>A (p.Ala1885=)

Genes: INTS1 (integrator complex subunit 1; minus strand), LOC129997773 (ATAC-STARR-seq lymphoblastoid silent region 17853; plus strand). Cytogenetic location: 7p22.3.
Variant type: single nucleotide variant.
Coding change: c.5655G>A on transcript NM_001080453.3 (MANE Select); coding-DNA position 5655, G replaced by A.
Protein change: p.Ala1885=; no amino-acid change (alanine 1885 retained).
Molecular consequence: synonymous variant.
Genome position (GRCh38, 1-based): chr7:1,474,342, C>T on the plus strand (G>A on the coding strand, the complement: INTS1 is on the minus strand). VCF-style: chr7-1474342-C-T. GRCh37 (hg19) VCF-style: chr7-1513978-C-T.
Other names: c.2172G>A, p.Ala724= (NM_015674.1).
Identifiers: ClinVar variation 3067296 (VCV003067296.21), dbSNP rs574453727, ClinGen allele CA4118333.

ClinVar aggregate classification (germline): Likely benign (1 of 4 stars; one submission).

Allele frequency attached by ClinVar (database versions not stated): TOPMed 0.00005; 1000 Genomes Project 30x 0.00047; 1000 Genomes Project 0.00060.
gnomAD v4.1: 171 of 1,601,272 alleles (0.011%); highest among the groups gnomAD compares: South Asian, 0.15%; 2 homozygotes.

Submission:

CeGaT Center for Human Genetics Tuebingen
Classification: Likely benign. Last evaluated: 2025-06-01. Review status: criteria provided, single submitter. Criteria: CeGaT Center For Human Genetics Tuebingen Variant Classification Criteria Version 2. Collection method: clinical testing. Allele origin: germline. Affected: yes. Observed: 2 variant alleles.
Comment: INTS1: BP4, BP7